The following is an entry in ClinVar:

NM_001913.5(CUX1):c.1927G>C (p.Glu643Gln)

Gene: CUX1 (cut like homeobox 1; plus strand). Cytogenetic location: 7q22.1.
Variant type: single nucleotide variant.
Coding change: c.1927G>C on transcript NM_001913.5 (MANE Plus Clinical); coding-DNA position 1927, G replaced by C.
Protein change: p.Glu643Gln; replaces glutamic acid 643 with glutamine.
Molecular consequence: missense variant.
Genome position (GRCh38, 1-based): chr7:102,282,736, G>C. VCF-style: chr7-102282736-G-C. GRCh37 (hg19) VCF-style: chr7-101926028-G-C.
Other names: c.1879G>C, p.Glu627Gln (NM_001202544.3); c.1789G>C, p.Glu597Gln (NM_001202545.3); c.1810G>C, p.Glu604Gln (NM_001202546.3); c.1921G>C, p.Glu641Gln (NM_181500.4); short protein forms E597Q, E604Q, E627Q, E641Q, E643Q.
Identifiers: ClinVar variation 3602527 (VCV003602527.1).

ClinVar aggregate classification (germline): Uncertain significance (1 of 4 stars; one submission).

gnomAD v4.1: 1 of 1,613,502 alleles (0.000062%); highest among the groups gnomAD compares: African/African-American, 0.0013%; no homozygotes.

Submission:

GeneDx
Classification: Uncertain significance. Last evaluated: 2024-07-31. Review status: criteria provided, single submitter. Criteria: GeneDx Variant Classification Process June 2021. Collection method: clinical testing. Allele origin: germline. Affected: yes.
Comment: Not observed at significant frequency in large population cohorts (gnomAD); In silico analysis indicates that this missense variant does not alter protein structure/function; Has not been previously published as pathogenic or benign to our knowledge; Reported using an alternate transcript of the gene